The following is an entry in ClinVar:

NM_000179.3(MSH6):c.260+11G>T

Genes: MSH6 (mutS homolog 6; plus strand), LOC129933707 (ATAC-STARR-seq lymphoblastoid silent region 11468; plus strand). Cytogenetic location: 2p16.3.
Variant type: single nucleotide variant.
Coding change: c.260+11G>T on transcript NM_000179.3 (MANE Select); 11 bases into the intron after coding-DNA position 260, G replaced by T.
Molecular consequence: intron variant.
Genome position (GRCh38, 1-based): chr2:47,783,504, G>T. VCF-style: chr2-47783504-G-T. GRCh37 (hg19) VCF-style: chr2-48010643-G-T.
Other names: c.-477+11G>T (NM_001281493.2); c.237+34G>T (NM_001281492.2).
Identifiers: ClinVar variation 918106 (VCV000918106.1), dbSNP rs550120121, ClinGen allele CA1139655638.

ClinVar aggregate classification (germline): Uncertain significance (1 of 4 stars; one submission).

Submission:

Women's Health and Genetics/Laboratory Corporation of America, LabCorp
Classification: Uncertain significance. Last evaluated: 2020-03-06. Review status: criteria provided, single submitter. Criteria: LabCorp Variant Classification Summary - May 2015. Collection method: clinical testing. Allele origin: germline.
Comment: Variant summary: MSH6 c.260+11G>T alters a non-conserved nucleotide located close to a canonical splice site and therefore could affect mRNA splicing, leading to a significantly altered protein sequence. 4/4 computational tools predict no significant impact on normal splicing. However, these predictions have yet to be confirmed by functional studies. The variant was absent in 32770 control chromosomes (gnomAD). The available data on variant occurrences in the general population are insufficient to allow any conclusion about variant significance. To our knowledge, no occurrence of c.260+11G>T in individuals affected with Hereditary Non-Polyposis Colon Cancer and no experimental evidence demonstrating its impact on protein function have been reported. No clinical diagnostic laboratories have submitted clinical-significance assessments for this variant to ClinVar after 2014. Based on the evidence outlined above, the variant was classified as uncertain significance.